The following is an entry in ClinVar:

ClinVar aggregate classification (germline): Likely pathogenic. Review status: criteria provided, multiple submitters, no conflicts (2 of 4 stars). 2 submissions from 2 submitters: Likely pathogenic (2). Last evaluated 2025-02-04.

Conditions:
Citrullinemia type I (CTNL1). Also called: argininosuccinate synthetase deficiency; ASS DEFICIENCY. Identifiers: Orphanet 247525, MedGen C4721769, MONDO:0008988, OMIM 215700.

Allele frequency attached by ClinVar (database versions not stated): TOPMed 0.00001.

Submissions (2):

Natera, Inc.
Classification: Likely pathogenic for Citrullinemia type I. Last evaluated: 2025-02-04. Review status: criteria provided, single submitter. Criteria: Natera Variant Classification Schema (03/2026). Collection method: clinical testing. Allele origin: germline.
Comment: The c.391_398delAGCTGCTA variant in ASS1 is a frameshift variant predicted to shift the reading frame beginning at codon 131 and leads to a stop codon 16 codons downstream. This variant is expected to result in nonsense mediated decay, truncation, or a dysfunctional protein product. This variant is rare in the general population with a frequency below the threshold expected for the associated phenotype(s). Given the available evidence, this variant is classified as Likely Pathogenic.

Baylor Genetics
Classification: Likely pathogenic for Citrullinemia type I. Last evaluated: 2022-07-31. Review status: criteria provided, single submitter. Criteria: ACMG Guidelines, 2015. Collection method: clinical testing. Allele origin: unknown.

NM_054012.4(ASS1):c.391_398del (p.Ser131fs)

Gene: ASS1 (argininosuccinate synthase 1; plus strand). Cytogenetic location: 9q34.11.
Variant type: Deletion.
Coding change: c.391_398del on transcript NM_054012.4 (MANE Select); coding-DNA positions 391 to 398, 8 bases deleted (AGCTGCTA; older notation c.391_398delAGCTGCTA).
Protein change: p.Ser131fs; shifts the reading frame from serine 131.
Molecular consequence: frameshift variant.
Genome position (GRCh38, 1-based): chr9:130,464,138-130,464,145, AGCTGCTA deleted. VCF-style (leftmost placement, unchanged base first): chr9-130464137-CAGCTGCTA-C. GRCh37 (hg19) VCF-style: chr9-133339524-CAGCTGCTA-C.
Other names: c.391_398del, p.Ser131fs (NM_000050.4); c.391_398delAGCTGCTA (NM_000050.4); short protein forms S131fs.
Identifiers: ClinVar variation 2679093 (VCV002679093.2), dbSNP rs1277616719, ClinGen allele CA860475069.